The following is an entry in ClinVar:

NM_001122630.2(CDKN1C):c.797C>T (p.Ala266Val)

Gene: CDKN1C (cyclin dependent kinase inhibitor 1C; minus strand). Cytogenetic location: 11p15.4.
Variant type: single nucleotide variant.
Coding change: c.797C>T on transcript NM_001122630.2 (MANE Select); coding-DNA position 797, C replaced by T.
Protein change: p.Ala266Val; replaces alanine 266 with valine.
Molecular consequence: missense variant.
Genome position (GRCh38, 1-based): chr11:2,884,125, G>A on the plus strand (C>T on the coding strand, the complement: CDKN1C is on the minus strand). VCF-style: chr11-2884125-G-A. GRCh37 (hg19) VCF-style: chr11-2905355-G-A.
Other names: c.830C>T, p.Ala277Val (NM_000076.2, NM_001362474.2); c.797C>T, p.Ala266Val (NM_001122631.2); c.265C>T, p.Pro89Ser (NM_001362475.2); short protein forms P89S, A266V, A277V.
Identifiers: ClinVar variation 1037097 (VCV001037097.9), dbSNP rs1307229121, ClinGen allele CA379145127.
Genomic context (GRCh38, chr11:2,884,125, plus strand): 5'-GAGGGACACGGCGCGGGGACATCGCCCGACGACTTCTCAGGCGCTGATCTCTTGCGCTTG[G>A]CGAAGAAATCTGCGGGCGACAGCGCGCGCGGCCGGTCAGGGCGGGGCCGGCCCGGAGACC-3'
Protein context (NP_001116102.1, residues 256-276): LSGPLISDFF[Ala266Val]KRKRSAPEKS

ClinVar aggregate classification (germline): Uncertain significance. Review status: criteria provided, multiple submitters, no conflicts (2 of 4 stars). 2 submissions from 2 submitters: Uncertain significance (2). Last evaluated 2023-08-28.

Conditions:
Beckwith-Wiedemann syndrome (BWS). Also called: EMG SYNDROME; Exomphalos macroglossia gigantism syndrome. Identifiers: Orphanet 116, MedGen C0004903, MONDO:0007534, OMIM 130650.

Allele frequency attached by ClinVar (database versions not stated): gnomAD exomes below 0.00001 and 0.00001.
gnomAD v4.1: 2 of 1,494,480 alleles (0.00013%); highest among the groups gnomAD compares: African/African-American, 0.0014%; no homozygotes.

Submissions (2):

Labcorp Genetics (formerly Invitae), Labcorp
Classification: Uncertain significance for Beckwith-Wiedemann syndrome. Last evaluated: 2023-08-28. Review status: criteria provided, single submitter. Criteria: Invitae Variant Classification Sherloc (09022015). Collection method: clinical testing. Allele origin: germline.
Comment: This variant is present in population databases (no rsID available, gnomAD 0.005%). In summary, the available evidence is currently insufficient to determine the role of this variant in disease. Therefore, it has been classified as a Variant of Uncertain Significance. Advanced modeling of protein sequence and biophysical properties (such as structural, functional, and spatial information, amino acid conservation, physicochemical variation, residue mobility, and thermodynamic stability) has been performed at Invitae for this missense variant, however the output from this modeling did not meet the statistical confidence thresholds required to predict the impact of this variant on CDKN1C protein function. ClinVar contains an entry for this variant (Variation ID: 1037097). This variant has not been reported in the literature in individuals affected with CDKN1C-related conditions. This sequence change replaces alanine, which is neutral and non-polar, with valine, which is neutral and non-polar, at codon 277 of the CDKN1C protein (p.Ala277Val).

GeneDx
Classification: Uncertain significance. Last evaluated: 2022-11-16. Review status: criteria provided, single submitter. Criteria: GeneDx Variant Classification Process June 2021. Collection method: clinical testing. Allele origin: germline. Affected: yes.
Comment: In silico analysis supports that this missense variant does not alter protein structure/function; Has not been previously reported as pathogenic or benign to our knowledge; This variant is associated with the following publications: (PMID: 31497289)